The following is an entry in ClinVar:

NM_000132.4(F8):c.1825A>C (p.Asn609His)

Gene: F8 (coagulation factor VIII; minus strand). Cytogenetic location: Xq28.
Variant type: single nucleotide variant.
Coding change: c.1825A>C on transcript NM_000132.4 (MANE Select); coding-DNA position 1825, A replaced by C.
Protein change: p.Asn609His; replaces asparagine 609 with histidine.
Molecular consequence: missense variant.
Genome position (GRCh38, 1-based): chrX:154,953,970, T>G on the plus strand (A>C on the coding strand, the complement: F8 is on the minus strand). VCF-style: chrX-154953970-T-G. GRCh37 (hg19) VCF-style: chrX-154182245-T-G.
Other names: short protein forms N609H.
Identifiers: ClinVar variation 994438 (VCV000994438.8), dbSNP rs2073350730, ClinGen allele CA414910854.

ClinVar aggregate classification (germline): Likely pathogenic (1 of 4 stars; one submission).

Conditions:
Hereditary factor VIII deficiency disease (HEMA). Also called: AUTOSOMAL HEMOPHILIA A; Hemophilia A, congenital; HEM A; Factor 8 deficiency, congenital; HEMOPHILIA, CLASSIC; Hemophilia A. Identifiers: Orphanet 98878, MedGen C0019069, MONDO:0010602, OMIM 306700.

Submission:

ARUP Laboratories, Molecular Genetics and Genomics, ARUP Laboratories
Classification: Likely pathogenic for Hereditary factor VIII deficiency disease. Last evaluated: 2019-10-22. Review status: criteria provided, single submitter. Criteria: ARUP Molecular Germline Variant Investigation Process. Collection method: clinical testing. Allele origin: germline.
Comment: The F8 c.1825A>C; p.Asn609His variant (also known as Asn590His for legacy nomenclature), to our knowledge, is not reported in the medical literature or gene specific databases. This variant is also absent from general population databases (Exome Variant Server, Genome Aggregation Database), indicating it is not a common polymorphism. The asparagine at codon 609 is highly conserved, and computational analyses (SIFT, PolyPhen-2) predict that this variant is deleterious. Three additional variants at this codon (Asn609Lys, Asn609Ile, Asn609Tyr) are reported in individuals with moderate or severe hemophilia A (Dai 2012, Johnsen 2017, Liu 2002, Markoff 2009, Ravanbod 2012, see F8 database), indicating the importance of this residue. Based on available information, this variant is considered to be likely pathogenic. REFERENCES Link to F8 Variant Database: Dai J et al. The status of carrier and prenatal diagnosis of haemophilia in China. Haemophilia. 2012 Mar;18(2):235-40. Johnsen JM et al. Novel approach to genetic analysis and results in 3000 hemophilia patients enrolled in the My Life, Our Future initiative. Blood Adv. 2017 May 18;1(13):824-834. Liu ML et al. Non-inversion factor VIII mutations in 80 hemophilia A families including 24 with alloimmune responses. Thromb Haemost. 2002 Feb;87(2):273-6. Markoff A et al. Combined homology modelling and evolutionary significance evaluation of missense mutations in blood clotting factor VIII to highlight aspects of structure and function. Haemophilia. 2009 Jul;15(4):932-41. Ravanbod S et al. Identification of 123 previously unreported mutations in the F8 gene of Iranian patients with haemophilia A. Haemophilia. 2012 May;18(3):e340-6.